The following is an entry in ClinVar:

ClinVar aggregate classification (germline): Uncertain significance. Review status: criteria provided, multiple submitters, no conflicts (2 of 4 stars). 2 submissions from 2 submitters: Uncertain significance (2). Last evaluated 2025-09-24.

Conditions:
Early-infantile DEE. Also called: Early infantile epileptic encephalopathy; Early infantile epileptic encephalopathy with suppression bursts; Ohtahara syndrome. Identifiers: Orphanet 1934, MedGen C0393706, MONDO:0800491.
Developmental and epileptic encephalopathy, 5 (DEE5). Identifiers: Orphanet 3451, MedGen C3150731, MONDO:0013277, OMIM 613477.

Allele frequency attached by ClinVar (database versions not stated): gnomAD exomes below 0.00001 and 0.00002; ExAC 0.00001.

Submissions (2):

Genesolutions, Medical Genetics Institutes, Ho Chi Minh City, Vietnam
Classification: Uncertain significance for Developmental and epileptic encephalopathy, 5. Last evaluated: 2025-09-24. Review status: criteria provided, single submitter. Criteria: ACMG Guidelines, 2015. Collection method: clinical testing. Allele origin: germline. Affected: yes.

Labcorp Genetics (formerly Invitae), Labcorp
Classification: Uncertain significance for Early-infantile DEE. Last evaluated: 2021-07-21. Review status: criteria provided, single submitter. Criteria: Invitae Variant Classification Sherloc (09022015). Collection method: clinical testing. Allele origin: germline.
Comment: This sequence change replaces alanine with glycine at codon 899 of the SPTAN1 protein (p.Ala899Gly). The alanine residue is highly conserved and there is a small physicochemical difference between alanine and glycine. Algorithms developed to predict the effect of sequence changes on RNA splicing suggest that this variant may create or strengthen a splice site, but this prediction has not been confirmed by published transcriptional studies. Algorithms developed to predict the effect of missense changes on protein structure and function (SIFT, PolyPhen-2, Align-GVGD) all suggest that this variant is likely to be disruptive, but these predictions have not been confirmed by published functional studies and their clinical significance is uncertain. In summary, the available evidence is currently insufficient to determine the role of this variant in disease. Therefore, it has been classified as a Variant of Uncertain Significance. This variant is present in population databases (rs745746027, ExAC 0.001%). This variant has been observed in individual(s) with clinical features of developmental and epileptic encephalopathy (Invitae).

NM_001130438.3(SPTAN1):c.2696C>G (p.Ala899Gly)

Gene: SPTAN1 (spectrin alpha, non-erythrocytic 1; plus strand). Cytogenetic location: 9q34.11.
Variant type: single nucleotide variant.
Coding change: c.2696C>G on transcript NM_001130438.3 (MANE Select); coding-DNA position 2696, C replaced by G.
Protein change: p.Ala899Gly; replaces alanine 899 with glycine.
Molecular consequence: missense variant.
Genome position (GRCh38, 1-based): chr9:128,585,883, C>G. VCF-style: chr9-128585883-C-G. GRCh37 (hg19) VCF-style: chr9-131348162-C-G.
Other names: c.2696C>G, p.Ala899Gly (NM_001195532.2, NM_001363759.2, NM_001363765.2 and 5 more transcripts); c.2732C>G, p.Ala911Gly (NM_001375312.2, NM_001375318.1); short protein forms A899G, A911G.
Identifiers: ClinVar variation 1357258 (VCV001357258.9), dbSNP rs745746027, ClinGen allele CA5264698.
Genomic context (GRCh38, chr9:128,585,883, plus strand): 5'-CTTCCCAGCGTCGGCAGGACCTGGAGGACTCTCTGCAGGCCCAGCAGTACTTTGCTGATG[C>G]TAACGAGGCTGAATCCTGGATGCGGGAGAAGGAACCCATTGTGGGCAGCACTGACTATGG-3'
Protein context (NP_001123910.1, residues 889-909): SLQAQQYFAD[Ala899Gly]NEAESWMREK